The following is an entry in ClinVar:

ClinVar aggregate classification (germline): Likely benign. Review status: criteria provided, multiple submitters, no conflicts (2 of 4 stars). 3 submissions from 3 submitters: Likely benign (3). Last evaluated 2024-08-06.

Conditions:
Cardiovascular phenotype. Identifiers: MedGen CN230736.
Hypertrophic cardiomyopathy 14. Identifiers: MedGen C2750467, MONDO:0013197, OMIM 613251.

Allele frequency attached by ClinVar (database versions not stated): gnomAD 0.00003; TOPMed 0.00006; 1000 Genomes Project 0.00020; 1000 Genomes Project 30x 0.00031.

Submissions (3):

Labcorp Genetics (formerly Invitae), Labcorp
Classification: Likely benign for Hypertrophic cardiomyopathy 14. Last evaluated: 2024-08-06. Review status: criteria provided, single submitter. Criteria: Invitae Variant Classification Sherloc (09022015). Collection method: clinical testing. Allele origin: germline.

Ambry Genetics
Classification: Likely benign for Cardiovascular phenotype. Last evaluated: 2022-03-21. Review status: criteria provided, single submitter. Criteria: Ambry Variant Classification Scheme 2023. Collection method: clinical testing. Allele origin: germline.

GeneDx
Classification: Likely benign. Last evaluated: 2017-11-27. Review status: criteria provided, single submitter. Criteria: GeneDx Variant Classification (06012015). Collection method: clinical testing. Allele origin: germline. Affected: yes.
Comment: This variant is considered likely benign or benign based on one or more of the following criteria: it is a conservative change, it occurs at a poorly conserved position in the protein, it is predicted to be benign by multiple in silico algorithms, and/or has population frequency not consistent with disease.

NM_002471.4(MYH6):c.5490C>T (p.Ala1830=)

Gene: MYH6 (myosin heavy chain 6; minus strand). Cytogenetic location: 14q11.2.
Variant type: single nucleotide variant.
Coding change: c.5490C>T on transcript NM_002471.4 (MANE Select); coding-DNA position 5490, C replaced by T.
Protein change: p.Ala1830=; no amino-acid change (alanine 1830 retained).
Molecular consequence: synonymous variant.
Genome position (GRCh38, 1-based): chr14:23,384,517, G>A on the plus strand (C>T on the coding strand, the complement: MYH6 is on the minus strand). VCF-style: chr14-23384517-G-A. GRCh37 (hg19) VCF-style: chr14-23853726-G-A.
Identifiers: ClinVar variation 513603 (VCV000513603.12), dbSNP rs201209864, ClinGen allele CA7114420.